The following is an entry in ClinVar:

ClinVar aggregate classification (germline): Uncertain significance. Review status: criteria provided, multiple submitters, no conflicts (2 of 4 stars). 2 submissions from 2 submitters: Uncertain significance (2). Last evaluated 2024-03-06.

Conditions:
Lynch syndrome 5 (LYNCH5). Also called: Colorectal cancer, hereditary nonpolyposis, type 5; Hereditary non-polyposis colorectal cancer, type 5. Identifiers: Orphanet 144, MedGen C1833477, MONDO:0013710, OMIM 614350. Disease mechanism: loss of function.
Mismatch repair cancer syndrome 1 (MMRCS1). Also called: BRAIN TUMOR-POLYPOSIS SYNDROME 1; BTP1 SYNDROME; CHILDHOOD CANCER SYNDROME; MISMATCH REPAIR DEFICIENCY; MMR DEFICIENCY. Identifiers: Orphanet 252202, MedGen C5399763, MONDO:0010159, OMIM 276300. Disease mechanism: loss of function.
Hereditary nonpolyposis colorectal neoplasms. Identifiers: MedGen C0009405, MeSH D003123.
Hereditary cancer-predisposing syndrome. Also called: Neoplastic Syndromes, Hereditary; Tumor predisposition; Hereditary Cancer Syndrome; Hereditary neoplastic syndrome. Identifiers: Orphanet 140162, MedGen C0027672, MeSH D009386, MONDO:0015356.

Submissions (2):

Color Diagnostics, LLC DBA Color Health
Classification: Uncertain significance for Hereditary cancer-predisposing syndrome. Last evaluated: 2024-03-06. Review status: criteria provided, single submitter. Criteria: ACMG Guidelines, 2015. Collection method: clinical testing. Allele origin: germline.
Comment: This missense variant replaces cysteine with arginine at codon 108 of the MSH6 protein. Computational prediction tool suggests that this variant may have deleterious impact on protein structure and function (internally defined REVEL score threshold >=0.7, PMID: 27666373). Splice site prediction tools suggest that this variant may not impact RNA splicing. To our knowledge, functional studies have not been performed for this variant. This variant has not been reported in individuals affected with hereditary cancer in the literature. This variant has not been identified in the general population by the Genome Aggregation Database (gnomAD). The available evidence is insufficient to determine the role of this variant in disease conclusively. Therefore, this variant is classified as a Variant of Uncertain Significance.

Labcorp Genetics (formerly Invitae), Labcorp
Classification: Uncertain significance for Hereditary nonpolyposis colorectal neoplasms. Last evaluated: 2021-01-13. Review status: criteria provided, single submitter. Criteria: Invitae Variant Classification Sherloc (09022015). Collection method: clinical testing. Allele origin: germline.
Comment: Algorithms developed to predict the effect of missense changes on protein structure and function are either unavailable or do not agree on the potential impact of this missense change (SIFT: "Tolerated"; PolyPhen-2: "Probably Damaging"; Align-GVGD: "Class C0"). In summary, the available evidence is currently insufficient to determine the role of this variant in disease. Therefore, it has been classified as a Variant of Uncertain Significance. This variant has not been reported in the literature in individuals with MSH6-related conditions. ClinVar contains an entry for this variant (Variation ID: 920311). This sequence change replaces cysteine with arginine at codon 108 of the MSH6 protein (p.Cys108Arg). The cysteine residue is weakly conserved and there is a large physicochemical difference between cysteine and arginine. This variant is not present in population databases (ExAC no frequency).

NM_000179.3(MSH6):c.322T>C (p.Cys108Arg)

Gene: MSH6 (mutS homolog 6; plus strand). Cytogenetic location: 2p16.3.
Variant type: single nucleotide variant.
Coding change: c.322T>C on transcript NM_000179.3 (MANE Select); coding-DNA position 322, T replaced by C.
Protein change: p.Cys108Arg; replaces cysteine 108 with arginine.
Molecular consequence: missense variant. On other transcripts: 5 prime UTR variant (2), intron variant (1).
Genome position (GRCh38, 1-based): chr2:47,790,988, T>C. VCF-style: chr2-47790988-T-C. GRCh37 (hg19) VCF-style: chr2-48018127-T-C.
Other names: c.-415T>C (NM_001281493.2); c.-581T>C (NM_001281494.2); c.237+7518T>C (NM_001281492.2); short protein forms C108R.
Identifiers: ClinVar variation 920311 (VCV000920311.15), dbSNP rs1668689651, ClinGen allele CA346736930.
Genomic context (GRCh38, chr2:47,790,988, plus strand): 5'-TGTGACTTCTCACCAGGAGATTTGGTTTGGGCCAAGATGGAGGGTTACCCCTGGTGGCCT[T>C]GTCTGGTTTACAACCACCCCTTTGATGGAACATTCATCCGCGAGAAAGGGAAATCAGTCC-3'
Protein context (NP_000170.1, residues 98-118): AKMEGYPWWP[Cys108Arg]LVYNHPFDGT